The following is an entry in ClinVar:

NM_000245.4(MET):c.1393G>A (p.Val465Ile)

Gene: MET (MET proto-oncogene, receptor tyrosine kinase; plus strand). Cytogenetic location: 7q31.2.
Variant type: single nucleotide variant.
Coding change: c.1393G>A on transcript NM_000245.4 (MANE Select); coding-DNA position 1393, G replaced by A.
Protein change: p.Val465Ile; replaces valine 465 with isoleucine.
Molecular consequence: missense variant.
Genome position (GRCh38, 1-based): chr7:116,739,950, G>A. VCF-style: chr7-116739950-G-A. GRCh37 (hg19) VCF-style: chr7-116380004-G-A.
Other names: c.1393G>A, p.Val465Ile (NM_001127500.3, NM_001324401.3); c.103G>A, p.Val35Ile (NM_001324402.2); short protein forms V465I, V35I.
Identifiers: ClinVar variation 524893 (VCV000524893.12), dbSNP rs754969545, ClinGen allele CA368974007.
Genomic context (GRCh38, chr7:116,739,950, plus strand): 5'-CCACTTATATTTAAACTGAGCTTGTTGGAATAAGGATGTTATAACTTTTTTGCTGTTTAG[G>A]TTGTGGTTTCTCGATCAGGACCATCAACCCCTCATGTGAATTTTCTCCTGGACTCCCATC-3'
Protein context (NP_000236.2, residues 455-475): LGTSEGRFMQ[Val465Ile]VVSRSGPSTP

ClinVar aggregate classification (germline): Conflicting classifications of pathogenicity. Review status: criteria provided, conflicting classifications (1 of 4 stars). 2 submissions from 2 submitters: Uncertain significance (1); Likely benign (1). Last evaluated 2025-07-15.

Conditions:
Hereditary cancer-predisposing syndrome. Also called: Neoplastic Syndromes, Hereditary; Hereditary neoplastic syndrome; Tumor predisposition; Hereditary Cancer Syndrome. Identifiers: Orphanet 140162, MedGen C0027672, MeSH D009386, MONDO:0015356.
Renal cell carcinoma. Identifiers: Orphanet 217071, MedGen C0007134, MeSH D002292, MONDO:0005086, HP:0005584.

Submissions (2):

Labcorp Genetics (formerly Invitae), Labcorp
Classification: Uncertain significance for Renal cell carcinoma. Last evaluated: 2025-07-15. Review status: criteria provided, single submitter. Criteria: Invitae Variant Classification Sherloc (09022015). Collection method: clinical testing. Allele origin: germline.
Comment: This sequence change replaces valine, which is neutral and non-polar, with isoleucine, which is neutral and non-polar, at codon 465 of the MET protein (p.Val465Ile). This variant is not present in population databases (gnomAD no frequency). This variant has not been reported in the literature in individuals affected with MET-related conditions. ClinVar contains an entry for this variant (Variation ID: 524893). An algorithm developed to predict the effect of missense changes on protein structure and function outputs the following: PolyPhen-2: "Benign". The isoleucine amino acid residue is found in multiple mammalian species, which suggests that this missense change does not adversely affect protein function. In summary, the available evidence is currently insufficient to determine the role of this variant in disease. Therefore, it has been classified as a Variant of Uncertain Significance.

Ambry Genetics
Classification: Likely benign for Hereditary cancer-predisposing syndrome. Last evaluated: 2022-01-07. Review status: criteria provided, single submitter. Criteria: Ambry Variant Classification Scheme 2023. Collection method: clinical testing. Allele origin: germline.